The following is an entry in ClinVar:

NM_000441.2(SLC26A4):c.1905_1906dup (p.Ile636fs)

Gene: SLC26A4 (solute carrier family 26 member 4; plus strand). Cytogenetic location: 7q22.3.
Variant type: Microsatellite.
Coding change: c.1905_1906dup on transcript NM_000441.2 (MANE Select); coding-DNA positions 1905 to 1906, 2 bases duplicated (GA; older notation c.1905_1906dupGA).
Protein change: p.Ile636fs; shifts the reading frame from isoleucine 636.
Molecular consequence: frameshift variant.
Genome position (GRCh38, 1-based): chr7:107,701,928-107,701,929, GA duplicated; duplicating any 2 consecutive bases within chr7:107,701,925-107,701,929 gives the same sequence; the c. name uses the placement nearest the transcript's 3' end. VCF-style (leftmost placement, unchanged base first): chr7-107701924-T-TAG. GRCh37 (hg19) VCF-style: chr7-107342369-T-TAG.
Other names: short protein forms I636fs.
Identifiers: ClinVar variation 5015504 (VCV005015504.1).
Genomic context (GRCh38, chr7:107,701,924, plus strand): 5'-CTTTTGAGCCTGATGAGGATATTGAAGATCTGGAGGAACTTGATATCCCAACCAAGGAAA[T>TAG]AGAGATTCAAGTGGATTGGAACTCTGAGCTTCCAGTCAAAGTGAACGTTCCCAAAGTGCC-3'

ClinVar aggregate classification (germline): Pathogenic (1 of 4 stars; one submission).

Conditions:
Pendred syndrome (PDS). Also called: Pendred Syndrome (PDS); DEAFNESS WITH GOITER; GOITER-DEAFNESS SYNDROME; HYPOTHYROIDISM, CONGENITAL, DUE TO DYSHORMONOGENESIS, 2B; THYROID DYSHORMONOGENESIS 2B; THYROID HORMONOGENESIS, GENETIC DEFECT IN, 2B. Identifiers: Orphanet 705, MedGen C0271829, MONDO:0010134, OMIM 274600.

Submission:

Myriad Genetics, Inc.
Classification: Pathogenic for Pendred syndrome. Last evaluated: 2026-02-02. Review status: criteria provided, single submitter. Criteria: Myriad Autosomal Dominant, Autosomal Recessive and X-Linked Classification Criteria (2023). Collection method: clinical testing. Allele origin: unknown.
Comment: NM_000441.1(SLC26A4):c.1905_1906dupGA(I636Rfs*14) is expected to be pathogenic in the context of Pendred syndrome. This variant is predicted to lead to an abnormal or absent protein product due to the creation of a premature termination codon in SLC26A4, a gene where loss-of-function variants are known to be pathogenic. Please note: this variant was assessed in the context of healthy population screening.